The following is an entry in ClinVar:

ClinVar aggregate classification (germline): Conflicting classifications of pathogenicity. Review status: criteria provided, conflicting classifications (1 of 4 stars). 4 submissions from 4 submitters: Uncertain significance (2); Likely benign (2). Last evaluated 2025-10-01.

Conditions:
Inborn genetic diseases. Identifiers: MedGen C0950123, MeSH D030342.
SNRNP200-related disorder. Also called: SNRNP200-related condition.

Allele frequency attached by ClinVar (database versions not stated): gnomAD exomes 0.00011; ExAC 0.00012; gnomAD 0.00016 and 0.00019; ESP Exome Variant Server 0.00023; TOPMed 0.00023; 1000 Genomes Project 0.00040; 1000 Genomes Project 30x 0.00047.
gnomAD v4.1: 75 of 1,614,214 alleles (0.0046%); highest among the groups gnomAD compares: African/African-American, 0.039%; no homozygotes.

Submissions (4):

Labcorp Genetics (formerly Invitae), Labcorp
Classification: Likely benign. Last evaluated: 2025-10-01. Review status: criteria provided, single submitter. Criteria: Invitae Variant Classification Sherloc (09022015). Collection method: clinical testing. Allele origin: germline.

PreventionGenetics, part of Exact Sciences
Classification: Likely benign for SNRNP200-related condition. Last evaluated: 2025-04-02. Review status: criteria provided, single submitter. Criteria: ACMG Guidelines, 2015. Collection method: clinical testing. Allele origin: germline.
Comment: This variant is classified as likely benign based on ACMG/AMP sequence variant interpretation guidelines (Richards et al. 2015 PMID: 25741868, with internal and published modifications).

Blueprint Genetics
Classification: Uncertain significance. Last evaluated: 2024-02-05. Review status: criteria provided, single submitter. Criteria: ACMG Guidelines, 2015. Collection method: clinical testing. Allele origin: germline.

Ambry Genetics
Classification: Uncertain significance for Inborn genetic diseases. Last evaluated: 2021-10-12. Review status: criteria provided, single submitter. Criteria: Ambry Variant Classification Scheme 2023. Collection method: clinical testing. Allele origin: germline.

NM_014014.5(SNRNP200):c.1484C>T (p.Thr495Met)

Gene: SNRNP200 (small nuclear ribonucleoprotein U5 subunit 200; minus strand). Cytogenetic location: 2q11.2.
Variant type: single nucleotide variant.
Coding change: c.1484C>T on transcript NM_014014.5 (MANE Select); coding-DNA position 1484, C replaced by T.
Protein change: p.Thr495Met; replaces threonine 495 with methionine.
Molecular consequence: missense variant.
Genome position (GRCh38, 1-based): chr2:96,296,964, G>A on the plus strand (C>T on the coding strand, the complement: SNRNP200 is on the minus strand). VCF-style: chr2-96296964-G-A. GRCh37 (hg19) VCF-style: chr2-96962702-G-A.
Other names: short protein forms T495M.
Identifiers: ClinVar variation 955162 (VCV000955162.11), dbSNP rs139286118, ClinGen allele CA1778929.